The following is an entry in ClinVar:

NM_006231.4(POLE):c.5782A>G (p.Lys1928Glu)

Gene: POLE (DNA polymerase epsilon, catalytic subunit; minus strand). Cytogenetic location: 12q24.33.
Variant type: single nucleotide variant.
Coding change: c.5782A>G on transcript NM_006231.4 (MANE Select); coding-DNA position 5782, A replaced by G.
Protein change: p.Lys1928Glu; replaces lysine 1928 with glutamic acid.
Molecular consequence: missense variant.
Genome position (GRCh38, 1-based): chr12:132,635,921, T>C on the plus strand (A>G on the coding strand, the complement: POLE is on the minus strand). VCF-style: chr12-132635921-T-C. GRCh37 (hg19) VCF-style: chr12-133212507-T-C.
Other names: c.5782A>G (NM_006231.3); short protein forms K1928E.
Identifiers: ClinVar variation 1365090 (VCV001365090.11), dbSNP rs2042022711, ClinGen allele CA387372809.
Genomic context (GRCh38, chr12:132,635,921, plus strand): 5'-TGGCTCGGGTGCCACACTGCAGCTCGCTTACCAGTCCACAGTGAATACGAGATGAAACTT[T>C]TCCTTTGATTCCGCCATAGTTAGATGGATCCATCCAGAGAAGAAATTCCCAGCATCGAGA-3'
Protein context (NP_006222.2, residues 1918-1938): DPSNYGGIKG[Lys1928Glu]VSSRIHCGLQ

ClinVar aggregate classification (germline): Uncertain significance. Review status: criteria provided, multiple submitters, no conflicts (2 of 4 stars). 3 submissions from 3 submitters: Uncertain significance (3). Last evaluated 2023-01-23.

Conditions:
POLE-related disorder. Also called: POLE-related condition; POLE-related disorders.
Hereditary cancer-predisposing syndrome. Also called: Neoplastic Syndromes, Hereditary; Tumor predisposition; Hereditary neoplastic syndrome; Hereditary Cancer Syndrome. Identifiers: Orphanet 140162, MedGen C0027672, MeSH D009386, MONDO:0015356.

Allele frequency attached by ClinVar (database versions not stated): gnomAD 0.00001.
gnomAD v4.1: 1 of 1,613,654 alleles (0.000062%); highest among the groups gnomAD compares: Admixed American, 0.0017%; no homozygotes.

Submissions (3):

PreventionGenetics, part of Exact Sciences
Classification: Uncertain significance for POLE-related condition. Last evaluated: 2023-01-23. Review status: criteria provided, single submitter. Criteria: ACMG Guidelines, 2015. Collection method: clinical testing. Allele origin: germline.
Comment: The POLE c.5782A>G variant is predicted to result in the amino acid substitution p.Lys1928Glu. To our knowledge, this variant has not been reported in the literature or in a large population database, indicating this variant is rare. In ClinVar, this variant is interpreted as uncertain. At this time, the clinical significance of this variant is uncertain due to the absence of conclusive functional and genetic evidence.

Labcorp Genetics (formerly Invitae), Labcorp
Classification: Uncertain significance. Last evaluated: 2022-07-13. Review status: criteria provided, single submitter. Criteria: Invitae Variant Classification Sherloc (09022015). Collection method: clinical testing. Allele origin: germline.
Comment: This variant has not been reported in the literature in individuals affected with POLE-related conditions. In summary, the available evidence is currently insufficient to determine the role of this variant in disease. Therefore, it has been classified as a Variant of Uncertain Significance. Algorithms developed to predict the effect of missense changes on protein structure and function are either unavailable or do not agree on the potential impact of this missense change (SIFT: "Deleterious"; PolyPhen-2: "Benign"; Align-GVGD: "Class C0"). ClinVar contains an entry for this variant (Variation ID: 1365090). This variant is not present in population databases (gnomAD no frequency). This sequence change replaces lysine, which is basic and polar, with glutamic acid, which is acidic and polar, at codon 1928 of the POLE protein (p.Lys1928Glu).

Ambry Genetics
Classification: Uncertain significance for Hereditary cancer-predisposing syndrome. Last evaluated: 2021-07-05. Review status: criteria provided, single submitter. Criteria: Ambry Variant Classification Scheme 2023. Collection method: clinical testing. Allele origin: germline.
Comment: The p.K1928E variant (also known as c.5782A>G), located in coding exon 42 of the POLE gene, results from an A to G substitution at nucleotide position 5782. The lysine at codon 1928 is replaced by glutamic acid, an amino acid with similar properties. This amino acid position is conserved. In addition, this alteration is predicted to be tolerated by in silico analysis. Since supporting evidence is limited at this time, the clinical significance of this alteration remains unclear.